The following is an entry in ClinVar:

ClinVar aggregate classification (germline): Uncertain significance (0 of 4 stars; one submission).

Conditions:
Prostate cancer. Also called: Malignant tumor of prostate. Identifiers: Orphanet 1331, MedGen C0376358, MONDO:0008315, HP:0012125.

Submission:

Science for Life laboratory,  Karolinska Institutet
Classification: Uncertain significance for Malignant tumor of prostate. Review status: no assertion criteria provided. Collection method: not provided. Allele origin: somatic.
Comment: TumorID:SWE-4
ClinVar note: Converted during submission from Unknown to Uncertain significance.

NM_001735.3(C5):c.3286A>G (p.Asn1096Asp)

Gene: C5 (complement C5; minus strand). Cytogenetic location: 9q33.2.
Variant type: single nucleotide variant.
Coding change: c.3286A>G on transcript NM_001735.3 (MANE Select); coding-DNA position 3286, A replaced by G.
Protein change: p.Asn1096Asp; replaces asparagine 1096 with aspartic acid.
Molecular consequence: missense variant.
Genome position (GRCh38, 1-based): chr9:120,982,759, T>C on the plus strand (A>G on the coding strand, the complement: C5 is on the minus strand). VCF-style: chr9-120982759-T-C. GRCh37 (hg19) VCF-style: chr9-123745037-T-C.
Other names: c.3304A>G, p.Asn1102Asp (NM_001317163.2); short protein forms N1096D, N1102D.
Identifiers: ClinVar variation 161582 (VCV000161582.2), dbSNP rs193920993, ClinGen allele CA174392.